The following is an entry in ClinVar:

ClinVar aggregate classification (germline): Uncertain significance (1 of 4 stars; one submission).

Conditions:
Glycogen storage disease due to muscle and heart glycogen synthase deficiency. Also called: GSD 0b; MUSCLE GLYCOGEN SYNTHASE DEFICIENCY. Identifiers: Orphanet 137625, MedGen C1969054, MONDO:0012693, OMIM 611556.

Allele frequency attached by ClinVar (database versions not stated): gnomAD below 0.00001 and 0.00001; gnomAD exomes below 0.00001; TOPMed 0.00001.

Submission:

Labcorp Genetics (formerly Invitae), Labcorp
Classification: Uncertain significance for Glycogen storage disease due to muscle and heart glycogen synthase deficiency. Last evaluated: 2022-01-14. Review status: criteria provided, single submitter. Criteria: Invitae Variant Classification Sherloc (09022015). Collection method: clinical testing. Allele origin: germline.
Comment: This sequence change replaces leucine, which is neutral and non-polar, with serine, which is neutral and polar, at codon 7 of the GYS1 protein (p.Leu7Ser). This variant is present in population databases (no rsID available, gnomAD 0.007%). This variant has not been reported in the literature in individuals affected with GYS1-related conditions. ClinVar contains an entry for this variant (Variation ID: 999389). Algorithms developed to predict the effect of missense changes on protein structure and function are either unavailable or do not agree on the potential impact of this missense change (SIFT: "Deleterious"; PolyPhen-2: "Probably Damaging"; Align-GVGD: "Class C0"). In summary, the available evidence is currently insufficient to determine the role of this variant in disease. Therefore, it has been classified as a Variant of Uncertain Significance.

NM_002103.5(GYS1):c.20T>C (p.Leu7Ser)

Gene: GYS1 (glycogen synthase 1; minus strand). Cytogenetic location: 19q13.33.
Variant type: single nucleotide variant.
Coding change: c.20T>C on transcript NM_002103.5 (MANE Select); coding-DNA position 20, T replaced by C.
Protein change: p.Leu7Ser; replaces leucine 7 with serine.
Molecular consequence: missense variant. On other transcripts: non-coding transcript variant (1).
Genome position (GRCh38, 1-based): chr19:48,993,093, A>G on the plus strand (T>C on the coding strand, the complement: GYS1 is on the minus strand). VCF-style: chr19-48993093-A-G. GRCh37 (hg19) VCF-style: chr19-49496350-A-G.
Other names: c.20T>C, p.Leu7Ser (NM_001161587.2); short protein forms L7S.
Identifiers: ClinVar variation 999389 (VCV000999389.6), dbSNP rs1298302518, ClinGen allele CA406767115.